The following is an entry in ClinVar:

ClinVar aggregate classification (germline): Conflicting classifications of pathogenicity. Review status: criteria provided, conflicting classifications (1 of 4 stars). 7 submissions from 7 submitters: Uncertain significance (4); Likely benign (2). 1 of the submissions does not count toward it. Last evaluated 2026-06-10.

Conditions:
COL9A1-related disorder. Also called: COL9A1-related condition; COL9A1-related disorders.
Inborn genetic diseases. Identifiers: MedGen C0950123, MeSH D030342.

Allele frequency attached by ClinVar (database versions not stated): ExAC 0.00019; gnomAD 0.00073 and 0.00077; 1000 Genomes Project 30x 0.00078; gnomAD exomes 0.00018; TOPMed 0.00074; ESP Exome Variant Server 0.00115; 1000 Genomes Project 0.00060.
gnomAD v4.1: 204 of 1,614,106 alleles (0.013%); highest among the groups gnomAD compares: African/African-American, 0.22%; 1 homozygote.

Submissions (7):

Women's Health and Genetics/Laboratory Corporation of America, LabCorp
Classification: Uncertain significance. Last evaluated: 2026-06-10. Review status: criteria provided, single submitter. Criteria: LabCorp Variant Classification Summary - May 2015. Collection method: clinical testing. Allele origin: germline.
Comment: Variant summary: COL9A1 c.2240C>G (p.Pro747Arg) results in a non-conservative amino acid change in the encoded protein sequence. Algorithms developed to predict the effect of missense changes on protein structure and function all suggest that this variant is likely to be disruptive. The variant allele was found at a frequency of 0.00018 in 250916 control chromosomes. This frequency is not significantly higher than estimated for disease-causing variants in COL9A1, allowing no conclusion about variant significance. To our knowledge, no occurrence of c.2240C>G in individuals affected with COL9A1-related conditions and no experimental evidence demonstrating its impact on protein function have been reported. ClinVar contains an entry for this variant (Variation ID: 166950). Based on the evidence outlined above, the variant was classified as uncertain significance.

Labcorp Genetics (formerly Invitae), Labcorp
Classification: Likely benign. Last evaluated: 2026-01-12. Review status: criteria provided, single submitter. Criteria: Invitae Variant Classification Sherloc (09022015). Collection method: clinical testing. Allele origin: germline.

Ambry Genetics
Classification: Uncertain significance for Inborn genetic diseases. Last evaluated: 2024-10-29. Review status: criteria provided, single submitter. Criteria: Ambry Variant Classification Scheme 2023. Collection method: clinical testing. Allele origin: germline.

Blueprint Genetics
Classification: Likely benign. Last evaluated: 2024-06-20. Review status: criteria provided, single submitter. Criteria: ACMG Guidelines, 2015. Collection method: clinical testing. Allele origin: germline.

GeneDx
Classification: Uncertain significance. Last evaluated: 2019-05-07. Review status: criteria provided, single submitter. Criteria: GeneDx Variant Classification Process June 2021. Collection method: clinical testing. Allele origin: germline. Affected: yes.
Comment: In silico analysis, which includes protein predictors and evolutionary conservation, supports a deleterious effect; Has not been previously published as pathogenic or benign to our knowledge

Eurofins Ntd Llc (ga)
Classification: Uncertain significance. Last evaluated: 2014-04-28. Review status: criteria provided, single submitter. Criteria: EGL Classification Definitions 2015. Collection method: clinical testing. Allele origin: germline. Observed: 1 variant allele, 1 heterozygote.

PreventionGenetics, part of Exact Sciences
Classification: Likely benign for COL9A1-related condition. Last evaluated: 2019-11-21. Review status: no assertion criteria provided. Collection method: clinical testing. Allele origin: germline. Not counted in ClinVar's aggregate classification.
Comment: This variant is classified as likely benign based on ACMG/AMP sequence variant interpretation guidelines (Richards et al. 2015 PMID: 25741868, with internal and published modifications).

NM_001851.6(COL9A1):c.2240C>G (p.Pro747Arg)

Gene: COL9A1 (collagen type IX alpha 1 chain; minus strand). Cytogenetic location: 6q13.
Variant type: single nucleotide variant.
Coding change: c.2240C>G on transcript NM_001851.6 (MANE Select); coding-DNA position 2240, C replaced by G.
Protein change: p.Pro747Arg; replaces proline 747 with arginine.
Molecular consequence: missense variant. On other transcripts: non-coding transcript variant (1), intron variant (1).
Genome position (GRCh38, 1-based): chr6:70,234,813, G>C on the plus strand (C>G on the coding strand, the complement: COL9A1 is on the minus strand). VCF-style: chr6-70234813-G-C. GRCh37 (hg19) VCF-style: chr6-70944516-G-C.
Other names: c.1541C>G, p.Pro514Arg (NM_001377289.1); c.1511C>G, p.Pro504Arg (NM_078485.4); c.1384-220C>G (NM_001377290.1); short protein forms P747R, P504R, P514R.
Identifiers: ClinVar variation 166950 (VCV000166950.23), dbSNP rs149459564, ClinGen allele CA233850.